The following is an entry in ClinVar:

ClinVar aggregate classification (germline): Uncertain significance. Review status: criteria provided, multiple submitters, no conflicts (2 of 4 stars). 3 submissions from 3 submitters: Uncertain significance (3). Last evaluated 2023-11-03.

Conditions:
Inborn genetic diseases. Identifiers: MedGen C0950123, MeSH D030342.

Allele frequency attached by ClinVar (database versions not stated): gnomAD exomes below 0.00001 and 0.00001; gnomAD 0.00004; TOPMed 0.00013.
gnomAD v4.1: 17 of 1,613,740 alleles (0.0011%); highest among the groups gnomAD compares: Admixed American, 0.018%; no homozygotes.

Submissions (3):

Ambry Genetics
Classification: Uncertain significance for Inborn genetic diseases. Last evaluated: 2023-11-03. Review status: criteria provided, single submitter. Criteria: Ambry Variant Classification Scheme 2023. Collection method: clinical testing. Allele origin: germline.

Athena Diagnostics
Classification: Uncertain significance. Last evaluated: 2022-09-08. Review status: criteria provided, single submitter. Criteria: Athena Diagnostics Criteria. Collection method: clinical testing. Allele origin: unknown.

Labcorp Genetics (formerly Invitae), Labcorp
Classification: Uncertain significance. Last evaluated: 2022-05-19. Review status: criteria provided, single submitter. Criteria: Invitae Variant Classification Sherloc (09022015). Collection method: clinical testing. Allele origin: germline.
Comment: This sequence change replaces glycine, which is neutral and non-polar, with serine, which is neutral and polar, at codon 2615 of the ADGRV1 protein (p.Gly2615Ser). This variant is present in population databases (no rsID available, gnomAD 0.1%). This variant has not been reported in the literature in individuals affected with ADGRV1-related conditions. ClinVar contains an entry for this variant (Variation ID: 1041629). Algorithms developed to predict the effect of missense changes on protein structure and function are either unavailable or do not agree on the potential impact of this missense change (SIFT: "Deleterious"; PolyPhen-2: "Probably Damaging"; Align-GVGD: "Class C0"). In summary, the available evidence is currently insufficient to determine the role of this variant in disease. Therefore, it has been classified as a Variant of Uncertain Significance.

NM_032119.4(ADGRV1):c.7843G>A (p.Gly2615Ser)

Gene: ADGRV1 (adhesion G protein-coupled receptor V1; plus strand). Cytogenetic location: 5q14.3.
Variant type: single nucleotide variant.
Coding change: c.7843G>A on transcript NM_032119.4 (MANE Select); coding-DNA position 7843, G replaced by A.
Protein change: p.Gly2615Ser; replaces glycine 2615 with serine.
Molecular consequence: missense variant. On other transcripts: non-coding transcript variant (1).
Genome position (GRCh38, 1-based): chr5:90,694,599, G>A. VCF-style: chr5-90694599-G-A. GRCh37 (hg19) VCF-style: chr5-89990416-G-A.
Other names: short protein forms G2615S.
Identifiers: ClinVar variation 1041629 (VCV001041629.7), dbSNP rs1343515415, ClinGen allele CA360381901.